The following is an entry in ClinVar:

ClinVar aggregate classification (germline): Uncertain significance (1 of 4 stars; one submission).

Conditions:
Autosomal recessive ataxia, Beauce type. Also called: SYNE1-Related Autosomal Recessive Cerebellar Ataxia; Spinocerebellar ataxia, autosomal recessive 8; ATAXIA, RECESSIVE, OF BEAUCE; SYNE1 Deficiency. Identifiers: Orphanet 88644, MedGen C1853116, MONDO:0012549, OMIM 610743.
Emery-Dreifuss muscular dystrophy 4, autosomal dominant (EDMD4). Also called: EMERY-DREIFUSS MUSCULAR DYSTROPHY 4 WITH VARIABLE FEATURES. Identifiers: Orphanet 261, MedGen C2751807, MONDO:0013071, OMIM 612998.

Allele frequency attached by ClinVar (database versions not stated): gnomAD exomes below 0.00001; gnomAD 0.00002.
gnomAD v4.1: 5 of 1,614,026 alleles (0.00031%); highest among the groups gnomAD compares: African/African-American, 0.004%; no homozygotes.

Submission:

Labcorp Genetics (formerly Invitae), Labcorp
Classification: Uncertain significance for Emery-Dreifuss muscular dystrophy 4, autosomal dominant; Autosomal recessive ataxia, Beauce type. Last evaluated: 2022-08-19. Review status: criteria provided, single submitter. Criteria: Invitae Variant Classification Sherloc (09022015). Collection method: clinical testing. Allele origin: germline.
Comment: In summary, the available evidence is currently insufficient to determine the role of this variant in disease. Therefore, it has been classified as a Variant of Uncertain Significance. Algorithms developed to predict the effect of missense changes on protein structure and function output the following: SIFT: "Tolerated"; PolyPhen-2: "Benign"; Align-GVGD: "Class C0". The threonine amino acid residue is found in multiple mammalian species, which suggests that this missense change does not adversely affect protein function. This variant has not been reported in the literature in individuals affected with SYNE1-related conditions. This variant is not present in population databases (gnomAD no frequency). This sequence change replaces methionine, which is neutral and non-polar, with threonine, which is neutral and polar, at codon 4308 of the SYNE1 protein (p.Met4308Thr).

NM_182961.4(SYNE1):c.13136T>C (p.Met4379Thr)

Gene: SYNE1 (spectrin repeat containing nuclear envelope protein 1; minus strand). Cytogenetic location: 6q25.2.
Variant type: single nucleotide variant.
Coding change: c.13136T>C on transcript NM_182961.4 (MANE Select); coding-DNA position 13136, T replaced by C.
Protein change: p.Met4379Thr; replaces methionine 4379 with threonine.
Molecular consequence: missense variant.
Genome position (GRCh38, 1-based): chr6:152,331,549, A>G on the plus strand (T>C on the coding strand, the complement: SYNE1 is on the minus strand). VCF-style: chr6-152331549-A-G. GRCh37 (hg19) VCF-style: chr6-152652684-A-G.
Other names: c.12923T>C, p.Met4308Thr (NM_033071.5); short protein forms M4308T, M4379T.
Identifiers: ClinVar variation 2144007 (VCV002144007.4), dbSNP rs1563132869, ClinGen allele CA366102528.